The following is an entry in ClinVar:

NM_032228.6(FAR1):c.1034A>G (p.Asn345Ser)

Gene: FAR1 (fatty acyl-CoA reductase 1; plus strand). Cytogenetic location: 11p15.3.
Variant type: single nucleotide variant.
Coding change: c.1034A>G on transcript NM_032228.6 (MANE Select); coding-DNA position 1034, A replaced by G.
Protein change: p.Asn345Ser; replaces asparagine 345 with serine.
Molecular consequence: missense variant.
Genome position (GRCh38, 1-based): chr11:13,714,587, A>G. VCF-style: chr11-13714587-A-G. GRCh37 (hg19) VCF-style: chr11-13736134-A-G.
Other names: c.1034A>G (NM_032228.5); short protein forms N345S.
Identifiers: ClinVar variation 2982008 (VCV002982008.4), dbSNP rs779505933, ClinGen allele CA5893451.

ClinVar aggregate classification (germline): Uncertain significance. Review status: criteria provided, multiple submitters, no conflicts (2 of 4 stars). 2 submissions from 2 submitters: Uncertain significance (2). Last evaluated 2025-06-26.

Conditions:
Inborn genetic diseases. Identifiers: MedGen C0950123, MeSH D030342.

Allele frequency attached by ClinVar (database versions not stated): gnomAD 0.00001; gnomAD exomes below 0.00001; TOPMed below 0.00001; ExAC 0.00002.
gnomAD v4.1: 8 of 1,613,404 alleles (0.0005%); highest among the groups gnomAD compares: African/African-American, 0.0013%; no homozygotes.

Submissions (2):

Ambry Genetics
Classification: Uncertain significance for Inborn genetic diseases. Last evaluated: 2025-06-26. Review status: criteria provided, single submitter. Criteria: Ambry Variant Classification Scheme 2023. Collection method: clinical testing. Allele origin: germline.

Labcorp Genetics (formerly Invitae), Labcorp
Classification: Uncertain significance. Last evaluated: 2025-03-17. Review status: criteria provided, single submitter. Criteria: Invitae Variant Classification Sherloc (09022015). Collection method: clinical testing. Allele origin: germline.
Comment: This sequence change replaces asparagine, which is neutral and polar, with serine, which is neutral and polar, at codon 345 of the FAR1 protein (p.Asn345Ser). This variant is present in population databases (rs779505933, gnomAD 0.004%). This variant has not been reported in the literature in individuals affected with FAR1-related conditions. ClinVar contains an entry for this variant (Variation ID: 2982008). Invitae Evidence Modeling of protein sequence and biophysical properties (such as structural, functional, and spatial information, amino acid conservation, physicochemical variation, residue mobility, and thermodynamic stability) indicates that this missense variant is not expected to disrupt FAR1 protein function with a negative predictive value of 80%. In summary, the available evidence is currently insufficient to determine the role of this variant in disease. Therefore, it has been classified as a Variant of Uncertain Significance.